The following is an entry in ClinVar:

NM_006204.4(PDE6C):c.652A>G (p.Asn218Asp)

Gene: PDE6C (phosphodiesterase 6C; plus strand). Cytogenetic location: 10q23.33.
Variant type: single nucleotide variant.
Coding change: c.652A>G on transcript NM_006204.4 (MANE Select); coding-DNA position 652, A replaced by G.
Protein change: p.Asn218Asp; replaces asparagine 218 with aspartic acid.
Molecular consequence: missense variant.
Genome position (GRCh38, 1-based): chr10:93,620,909, A>G. VCF-style: chr10-93620909-A-G. GRCh37 (hg19) VCF-style: chr10-95380666-A-G.
Other names: short protein forms N218D.
Identifiers: ClinVar variation 2115649 (VCV002115649.4), dbSNP rs2492504586, ClinGen allele CA377627117.

ClinVar aggregate classification (germline): Uncertain significance (1 of 4 stars; one submission).

Submission:

Labcorp Genetics (formerly Invitae), Labcorp
Classification: Uncertain significance. Last evaluated: 2022-03-21. Review status: criteria provided, single submitter. Criteria: Invitae Variant Classification Sherloc (09022015). Collection method: clinical testing. Allele origin: germline.
Comment: In summary, the available evidence is currently insufficient to determine the role of this variant in disease. Therefore, it has been classified as a Variant of Uncertain Significance. Algorithms developed to predict the effect of missense changes on protein structure and function (SIFT, PolyPhen-2, Align-GVGD) all suggest that this variant is likely to be tolerated. This variant has not been reported in the literature in individuals affected with PDE6C-related conditions. This variant is not present in population databases (gnomAD no frequency). This sequence change replaces asparagine, which is neutral and polar, with aspartic acid, which is acidic and polar, at codon 218 of the PDE6C protein (p.Asn218Asp).